The following is an entry in ClinVar:

ClinVar aggregate classification (germline): Uncertain significance. Review status: criteria provided, multiple submitters, no conflicts (2 of 4 stars). 2 submissions from 2 submitters: Uncertain significance (2). Last evaluated 2025-12-08.

Conditions:
Inborn genetic diseases. Identifiers: MedGen C0950123, MeSH D030342.

Allele frequency attached by ClinVar (database versions not stated): TOPMed 0.00001.

Submissions (2):

Labcorp Genetics (formerly Invitae), Labcorp
Classification: Uncertain significance. Last evaluated: 2025-12-08. Review status: criteria provided, single submitter. Criteria: Invitae Variant Classification Sherloc (09022015). Collection method: clinical testing. Allele origin: germline.
Comment: This sequence change replaces methionine, which is neutral and non-polar, with valine, which is neutral and non-polar, at codon 1236 of the MTOR protein (p.Met1236Val). This variant is not present in population databases (gnomAD no frequency). This variant has not been reported in the literature in individuals affected with MTOR-related conditions. ClinVar contains an entry for this variant (Variation ID: 950446). Invitae Evidence Modeling of protein sequence and biophysical properties (such as structural, functional, and spatial information, amino acid conservation, physicochemical variation, residue mobility, and thermodynamic stability) indicates that this missense variant is not expected to disrupt MTOR protein function with a negative predictive value of 95%. In summary, the available evidence is currently insufficient to determine the role of this variant in disease. Therefore, it has been classified as a Variant of Uncertain Significance.

Ambry Genetics
Classification: Uncertain significance for Inborn genetic diseases. Last evaluated: 2025-08-15. Review status: criteria provided, single submitter. Criteria: Ambry Variant Classification Scheme 2023. Collection method: clinical testing. Allele origin: germline.

NM_004958.4(MTOR):c.3706A>G (p.Met1236Val)

Gene: MTOR (mechanistic target of rapamycin kinase; minus strand). Cytogenetic location: 1p36.22.
Variant type: single nucleotide variant.
Coding change: c.3706A>G on transcript NM_004958.4 (MANE Select); coding-DNA position 3706, A replaced by G.
Protein change: p.Met1236Val; replaces methionine 1236 with valine.
Molecular consequence: missense variant.
Genome position (GRCh38, 1-based): chr1:11,209,407, T>C on the plus strand (A>G on the coding strand, the complement: MTOR is on the minus strand). VCF-style: chr1-11209407-T-C. GRCh37 (hg19) VCF-style: chr1-11269464-T-C.
Other names: short protein forms M1236V.
Identifiers: ClinVar variation 950446 (VCV000950446.10), dbSNP rs745651501, ClinGen allele CA17915922.